The following is an entry in ClinVar:

ClinVar aggregate classification (germline): Uncertain significance (1 of 4 stars; one submission).

Allele frequency attached by ClinVar (database versions not stated): ExAC 0.00001.
gnomAD v4.1: 2 of 1,614,124 alleles (0.00012%); highest among the groups gnomAD compares: Admixed American, 0.0033%; no homozygotes.

Submission:

Labcorp Genetics (formerly Invitae), Labcorp
Classification: Uncertain significance. Last evaluated: 2022-08-17. Review status: criteria provided, single submitter. Criteria: Invitae Variant Classification Sherloc (09022015). Collection method: clinical testing. Allele origin: germline.
Comment: This sequence change replaces glycine, which is neutral and non-polar, with alanine, which is neutral and non-polar, at codon 74 of the DNAJB13 protein (p.Gly74Ala). This variant is present in population databases (rs777289652, gnomAD 0.006%). This variant has not been reported in the literature in individuals affected with DNAJB13-related conditions. Algorithms developed to predict the effect of missense changes on protein structure and function (SIFT, PolyPhen-2, Align-GVGD) all suggest that this variant is likely to be tolerated. In summary, the available evidence is currently insufficient to determine the role of this variant in disease. Therefore, it has been classified as a Variant of Uncertain Significance.

NM_153614.4(DNAJB13):c.221G>C (p.Gly74Ala)

Gene: DNAJB13 (DnaJ heat shock protein family (Hsp40) member B13; plus strand). Cytogenetic location: 11q13.4.
Variant type: single nucleotide variant.
Coding change: c.221G>C on transcript NM_153614.4 (MANE Select); coding-DNA position 221, G replaced by C.
Protein change: p.Gly74Ala; replaces glycine 74 with alanine.
Molecular consequence: missense variant.
Genome position (GRCh38, 1-based): chr11:73,959,542, G>C. VCF-style: chr11-73959542-G-C. GRCh37 (hg19) VCF-style: chr11-73670587-G-C.
Other names: c.47G>C, p.Gly16Ala (NM_001377263.1); short protein forms G74A, G16A.
Identifiers: ClinVar variation 1956006 (VCV001956006.2), dbSNP rs777289652, ClinGen allele CA6180634.